The following is an entry in ClinVar:

NM_004415.4(DSP):c.3985A>G (p.Arg1329Gly)

Gene: DSP (desmoplakin; plus strand). Cytogenetic location: 6p24.3.
Variant type: single nucleotide variant.
Coding change: c.3985A>G on transcript NM_004415.4 (MANE Select); coding-DNA position 3985, A replaced by G.
Protein change: p.Arg1329Gly; replaces arginine 1329 with glycine.
Molecular consequence: missense variant. On other transcripts: intron variant (1).
Genome position (GRCh38, 1-based): chr6:7,580,175, A>G. VCF-style: chr6-7580175-A-G. GRCh37 (hg19) VCF-style: chr6-7580408-A-G.
Other names: c.3985A>G, p.Arg1329Gly (NM_001319034.2); c.3582+403A>G (NM_001008844.3); short protein forms R1329G.
Identifiers: ClinVar variation 2775301 (VCV002775301.2), dbSNP rs2533926927, ClinGen allele CA362685290.

ClinVar aggregate classification (germline): Uncertain significance (1 of 4 stars; one submission).

Conditions:
Cardiomyopathy (CMYO). Also called: Cardiomyopathies. Identifiers: Orphanet 167848, MedGen C0878544, MONDO:0004994, HP:0001638. Inheritance: Various modes of inheritance.

Submission:

Color Diagnostics, LLC DBA Color Health
Classification: Uncertain significance for Cardiomyopathy. Last evaluated: 2023-12-11. Review status: criteria provided, single submitter. Criteria: ACMG Guidelines, 2015. Collection method: clinical testing. Allele origin: germline.
Comment: This missense variant replaces arginine with glycine at codon 1329 of the DSP protein. Computational prediction is inconclusive regarding the impact of this variant on protein structure and function (internally defined REVEL score threshold 0.5 < inconclusive < 0.7, PMID: 27666373). To our knowledge, functional studies have not been reported for this variant. This variant has not been reported in individuals affected with DSP-related disorders in the literature. This variant has not been identified in the general population by the Genome Aggregation Database (gnomAD). The available evidence is insufficient to determine the role of this variant in disease conclusively. Therefore, this variant is classified as a Variant of Uncertain Significance.